The following is an entry in ClinVar:

ClinVar aggregate classification (germline): Conflicting classifications of pathogenicity. Review status: criteria provided, conflicting classifications (1 of 4 stars). 4 submissions from 4 submitters: Uncertain significance (3); Likely benign (1). Last evaluated 2024-04-16.

Conditions:
Hereditary cancer-predisposing syndrome. Also called: Hereditary Cancer Syndrome; Neoplastic Syndromes, Hereditary; Tumor predisposition; Hereditary neoplastic syndrome. Identifiers: Orphanet 140162, MedGen C0027672, MeSH D009386, MONDO:0015356.
Hereditary breast ovarian cancer syndrome. Also called: Hereditary breast and ovarian cancer syndrome; Hereditary breast and ovarian cancer; Hereditary breast and ovarian cancer syndrome (HBOC); Breast and ovarian cancer; Hereditary breast and/or ovarian cancer syndrome; BRCA1- and BRCA2-Associated Hereditary Breast and Ovarian Cancer. Identifiers: Orphanet 145, MedGen C0677776, MeSH D061325, MONDO:0003582. Disease mechanism: loss of function.

gnomAD v4.1: 2 of 1,613,864 alleles (0.00012%); highest among the groups gnomAD compares: Non-Finnish European, 0.00017%; no homozygotes.

Submissions (4):

Labcorp Genetics (formerly Invitae), Labcorp
Classification: Uncertain significance for Hereditary breast ovarian cancer syndrome. Last evaluated: 2024-04-16. Review status: criteria provided, single submitter. Criteria: Invitae Variant Classification Sherloc (09022015). Collection method: clinical testing. Allele origin: germline.
Comment: This sequence change replaces serine, which is neutral and polar, with proline, which is neutral and non-polar, at codon 403 of the BRCA1 protein (p.Ser403Pro). This variant is not present in population databases (gnomAD no frequency). This variant has not been reported in the literature in individuals affected with BRCA1-related conditions. ClinVar contains an entry for this variant (Variation ID: 481460). Advanced modeling of protein sequence and biophysical properties (such as structural, functional, and spatial information, amino acid conservation, physicochemical variation, residue mobility, and thermodynamic stability) performed at Invitae indicates that this missense variant is not expected to disrupt BRCA1 protein function with a negative predictive value of 95%. In summary, the available evidence is currently insufficient to determine the role of this variant in disease. Therefore, it has been classified as a Variant of Uncertain Significance.

University of Washington Department of Laboratory Medicine, University of Washington
Classification: Likely benign for Hereditary cancer-predisposing syndrome. Last evaluated: 2023-03-23. Review status: criteria provided, single submitter. Criteria: Dines et al. (Genet Med. 2020). Collection method: curation. Allele origin: germline.
Comment: Missense variant in a coldspot region where missense variants are very unlikely to be pathogenic (PMID:31911673).

BRCA1 coldspot (exon 11 using historical exon numbering). Reclassification based on statistical prior probability

GeneDx
Classification: Uncertain significance. Last evaluated: 2022-06-08. Review status: criteria provided, single submitter. Criteria: GeneDx Variant Classification Process June 2021. Collection method: clinical testing. Allele origin: germline. Affected: yes.
Comment: Not observed at significant frequency in large population cohorts (gnomAD); In silico analysis supports that this missense variant has a deleterious effect on protein structure/function; Has not been previously published as pathogenic or benign to our knowledge; Also known as 1326T>C; This variant is associated with the following publications: (PMID: 10426999, 20215511, 15343273, 9926942, 9582019)

Ambry Genetics
Classification: Uncertain significance for Hereditary cancer-predisposing syndrome. Last evaluated: 2016-08-09. Review status: criteria provided, single submitter. Criteria: Ambry Variant Classification Scheme 2023. Collection method: clinical testing. Allele origin: germline.
Comment: The p.S403P variant (also known as c.1207T>C), located in coding exon 9 of the BRCA1 gene, results from a T to C substitution at nucleotide position 1207. The serine at codon 403 is replaced by proline, an amino acid with similar properties. This variant was not reported in population based cohorts in the following databases: Database of Single Nucleotide Polymorphisms (dbSNP), NHLBI Exome Sequencing Project (ESP), and 1000 Genomes Project. In the ESP, this variant was not observed in 6503 samples (13006 alleles) with coverage at this position. To date, this alteration has been detected with an allele frequency of approximately 0.0003% (greater than 300000 alleles tested) in our clinical cohort. This amino acid position is poorly conserved in available vertebrate species. In addition, the in silico prediction for this alteration is inconclusive. Since supporting evidence is limited at this time, the clinical significance of this alteration remains unclear.

NM_007294.4(BRCA1):c.1207T>C (p.Ser403Pro)

Gene: BRCA1 (BRCA1 DNA repair associated; minus strand). Cytogenetic location: 17q21.31.
Variant type: single nucleotide variant.
Coding change: c.1207T>C on transcript NM_007294.4 (MANE Select); coding-DNA position 1207, T replaced by C.
Protein change: p.Ser403Pro; replaces serine 403 with proline.
Molecular consequence: missense variant. On other transcripts: intron variant (137).
Genome position (GRCh38, 1-based): chr17:43,094,324, A>G on the plus strand (T>C on the coding strand, the complement: BRCA1 is on the minus strand). VCF-style: chr17-43094324-A-G. GRCh37 (hg19) VCF-style: chr17-41246341-A-G.
Other names: c.994T>C, p.Ser332Pro (NM_001407571.1, NM_001407853.1, NM_001407894.1 and 9 more transcripts); c.1207T>C, p.Ser403Pro (NM_001407581.1, NM_001407582.1, NM_001407583.1 and 30 more transcripts); c.1204T>C, p.Ser402Pro (NM_001407587.1, NM_001407590.1, NM_001407591.1 and 22 more transcripts); c.1198T>C, p.Ser400Pro (NM_001407646.1, NM_001407647.1); c.1084T>C, p.Ser362Pro (NM_001407648.1, NM_001407664.1, NM_001407665.1 and 19 more transcripts); c.1081T>C, p.Ser361Pro (NM_001407649.1, NM_001407670.1, NM_001407671.1 and 11 more transcripts); c.1129T>C, p.Ser377Pro (NM_001407653.1, NM_001407654.1, NM_001407655.1 and 4 more transcripts); c.1126T>C, p.Ser376Pro (NM_001407659.1, NM_001407660.1, NM_001407661.1 and 1 more transcripts); and 40 more; short protein forms S403P, S356P, S107P, S314P, S315P, S361P, S402P, S355P.
Identifiers: ClinVar variation 481460 (VCV000481460.12), dbSNP rs1555592200, ClinGen allele CA10599636.
Genomic context (GRCh38, chr17:43,094,324, plus strand): 5'-AATATTCATCTACCTCATTTAGAACGTCCAATACATCAGCTACTTTGGCATTTGATTCAG[A>G]CTCCCCATCATGTGAGTCATCAGAACCTAACAGTTCATCACTTCTGGAAAACCACTCATT-3'
Protein context (NP_009225.1, residues 393-413): LGSDDSHDGE[Ser403Pro]ESNAKVADVL